The following is an entry in ClinVar:

NM_004655.4(AXIN2):c.1168A>G (p.Ser390Gly)

Gene: AXIN2 (axin 2; minus strand). Cytogenetic location: 17q24.1.
Variant type: single nucleotide variant.
Coding change: c.1168A>G on transcript NM_004655.4 (MANE Select); coding-DNA position 1168, A replaced by G.
Protein change: p.Ser390Gly; replaces serine 390 with glycine.
Molecular consequence: missense variant.
Genome position (GRCh38, 1-based): chr17:65,538,235, T>C on the plus strand (A>G on the coding strand, the complement: AXIN2 is on the minus strand). VCF-style: chr17-65538235-T-C. GRCh37 (hg19) VCF-style: chr17-63534353-T-C.
Other names: p.S390G:AGC>GGC; c.1168A>G, p.Ser390Gly (NM_001363813.1); c.1168A>G (LRG_296t1); short protein forms S390G.
Identifiers: ClinVar variation 127934 (VCV000127934.75), dbSNP rs139871607, ClinGen allele CA288077.

ClinVar aggregate classification (germline): Conflicting classifications of pathogenicity. Review status: criteria provided, conflicting classifications (1 of 4 stars). 18 submissions from 18 submitters: Uncertain significance (1); Benign (2); Likely benign (11). 4 of the submissions do not count toward it. Last evaluated 2026-02-04.

Conditions:
AXIN2-related disorder.
Colorectal cancer. Also called: Malignant Colorectal Neoplasm; Colorectal cancer, somatic. Identifiers: MedGen C0346629, MONDO:0005575, OMIM 114500.
Oligodontia. Identifiers: MedGen C4082304, HP:0000677.
Hereditary cancer-predisposing syndrome. Also called: Tumor predisposition; Hereditary neoplastic syndrome; Neoplastic Syndromes, Hereditary; Hereditary Cancer Syndrome. Identifiers: Orphanet 140162, MedGen C0027672, MeSH D009386, MONDO:0015356.
Oligodontia-cancer predisposition syndrome. Also called: TOOTH AGENESIS-COLORECTAL CANCER SYNDROME. Identifiers: Orphanet 300576, MedGen C1837750, MONDO:0012075, OMIM 608615. Disease mechanism: loss of function.

Allele frequency attached by ClinVar (database versions not stated): 1000 Genomes Project 0.00060; gnomAD exomes 0.00073 and 0.00109; TOPMed 0.00073; gnomAD 0.00074 and 0.00075; ExAC 0.00092; 1000 Genomes Project 30x 0.00094; ESP Exome Variant Server 0.00161.
gnomAD v4.1: 1,670 of 1,614,190 alleles (0.1%); highest among the groups gnomAD compares: Non-Finnish European, 0.13%; 2 homozygotes.

Submissions (18):

Labcorp Genetics (formerly Invitae), Labcorp
Classification: Likely benign for Oligodontia-cancer predisposition syndrome. Last evaluated: 2026-02-04. Review status: criteria provided, single submitter. Criteria: Invitae Variant Classification Sherloc (09022015). Collection method: clinical testing. Allele origin: germline.

Center for Genomic Medicine, Rigshospitalet, Copenhagen University Hospital
Classification: Uncertain significance. Last evaluated: 2025-12-29. Review status: criteria provided, single submitter. Criteria: ACMG Guidelines, 2015. Collection method: clinical testing. Allele origin: germline.

Quest Diagnostics Nichols Institute San Juan Capistrano
Classification: Benign. Last evaluated: 2025-09-19. Review status: criteria provided, single submitter. Criteria: Quest Diagnostics criteria. Collection method: clinical testing. Allele origin: unknown.

CeGaT Center for Human Genetics Tuebingen
Classification: Likely benign. Last evaluated: 2025-06-01. Review status: criteria provided, single submitter. Criteria: CeGaT Center For Human Genetics Tuebingen Variant Classification Criteria Version 2. Collection method: clinical testing. Allele origin: germline. Affected: yes. Observed: 8 variant alleles.
Comment: AXIN2: BP4, BS1

Blueprint Genetics
Classification: Likely benign. Last evaluated: 2024-11-08. Review status: criteria provided, single submitter. Criteria: ACMG Guidelines, 2015. Collection method: clinical testing. Allele origin: germline.

Women's Health and Genetics/Laboratory Corporation of America, LabCorp
Classification: Likely benign. Last evaluated: 2021-12-12. Review status: criteria provided, single submitter. Criteria: LabCorp Variant Classification Summary - May 2015. Collection method: clinical testing. Allele origin: germline.

Genetic Services Laboratory, University of Chicago
Classification: Likely benign. Last evaluated: 2021-11-09. Review status: criteria provided, single submitter. Criteria: ACMG Guidelines, 2015. Collection method: clinical testing. Allele origin: germline. Affected: no.

Sema4
Classification: Likely benign for Hereditary cancer-predisposing syndrome. Last evaluated: 2021-02-03. Review status: criteria provided, single submitter. Criteria: Sema4 Curation Guidelines. Collection method: curation. Allele origin: germline.

GeneDx
Classification: Likely benign. Last evaluated: 2020-10-29. Review status: criteria provided, single submitter. Criteria: GeneDx Variant Classification Process June 2021. Collection method: clinical testing. Allele origin: germline. Affected: yes.
Comment: This variant is associated with the following publications: (PMID: 27300758, 30374176)

ARUP Laboratories, Molecular Genetics and Genomics, ARUP Laboratories
Classification: Likely benign. Last evaluated: 2020-07-10. Review status: criteria provided, single submitter. Criteria: ARUP Molecular Germline Variant Investigation Process. Collection method: clinical testing. Allele origin: germline.

Ambry Genetics
Classification: Likely benign for Hereditary cancer-predisposing syndrome. Last evaluated: 2018-12-26. Review status: criteria provided, single submitter. Criteria: Ambry Variant Classification Scheme 2023. Collection method: clinical testing. Allele origin: germline.

University of Washington Department of Laboratory Medicine, University of Washington
Classification: Likely benign for Oligodontia-colorectal cancer syndrome. Last evaluated: 2018-04-01. Review status: criteria provided, single submitter. Criteria: Tsai GJ et al. (Genet Med 2018). Collection method: research. Allele origin: germline. Inheritance: Autosomal dominant inheritance. Affected: no. Clinical features observed: Hepatocellular carcinoma.
Comment: The AXIN2 variant designated as NM_004655.3:c.1168A>G (p.Ser390Gly) is classified as likely benign. This variant has been reported in several population databases. It is present in approximately 1 in 350 individuals with European ancestry. This population frequency is much higher than other pathogenic variants in AXIN2 and not consistent with the reported oligodontia-cancer syndrome frequency. This variant has been reported as likely benign by other laboratories (ClinVar Variation ID: 127934). Bayesian analysis integrating all of this data (Tavtigian et al, 2018, PMID:29300386) gives less than 1% probability of pathogenicity, which is consistent with a classification of likely benign. This variant is not predicted to alter AXIN2 function or modify cancer risk. A modest (less than 2 fold) increase in cancer risk due to this variant cannot be excluded. This analysis was performed in conjunction with the family studies project as part of the University of Washington Find My Variant Study.

Illumina Laboratory Services, Illumina
Classification: Benign for Oligodontia-cancer predisposition syndrome. Last evaluated: 2018-01-13. Review status: criteria provided, single submitter. Criteria: ICSL Variant Classification Criteria 13 December 2019. Collection method: clinical testing. Allele origin: germline.
Comment: This variant was observed in the ICSL laboratory as part of a predisposition screen in an ostensibly healthy population. It had not been previously curated by ICSL or reported in the Human Gene Mutation Database (HGMD: prior to June 1st, 2018), and was therefore a candidate for classification through an automated scoring system. Utilizing variant allele frequency, disease prevalence and penetrance estimates, and inheritance mode, an automated score was calculated to assess if this variant is too frequent to cause the disease. Based on the score and internal cut-off values, a variant classified as benign is not then subjected to further curation. The score for this variant resulted in a classification of benign for this disease.

Breakthrough Genomics
Classification: Likely benign. Review status: criteria provided, single submitter. Criteria: ACMG Guidelines, 2015. Collection method: not provided. Allele origin: germline. Inheritance: Autosomal dominant inheritance. Affected: yes.

PreventionGenetics, part of Exact Sciences
Classification: Likely benign for AXIN2-related condition. Last evaluated: 2024-05-01. Review status: no assertion criteria provided. Collection method: clinical testing. Allele origin: germline. Not counted in ClinVar's aggregate classification.
Comment: This variant is classified as likely benign based on ACMG/AMP sequence variant interpretation guidelines (Richards et al. 2015 PMID: 25741868, with internal and published modifications).

CSER _CC_NCGL, University of Washington
Classification: Uncertain significance for Colorectal cancer; oligodontia. Last evaluated: 2016-08-01. Review status: no assertion criteria provided. Collection method: research. Allele origin: germline. Inheritance: Autosomal dominant inheritance. Study: CSER - NEXT Medicine variant annotation. Not counted in ClinVar's aggregate classification.

Department of Pathology and Laboratory Medicine, Sinai Health System
Classification: Likely benign. Review status: no assertion criteria provided. Collection method: clinical testing. Allele origin: unknown. Affected: yes. Study: The Canadian Open Genetics Repository (COGR). Not counted in ClinVar's aggregate classification.
Comment: The AXIN2 p.Ser390Gly variant was not identified in the literature nor was it identified in Cosmic. The variant was identified in dbSNP (ID: rs139871607) and ClinVar (classified as likely benign by Illumina, Invitae and the University of Washington Department of Laboratory Medicine and as uncertain significance by GeneDx, Mayo Clinic Genetic Testing Laboratories and the CSER_CC_NCGL; University of Washington Medical Center). The variant was also identified in control databases in 210 of 282220 chromosomes at a frequency of 0.000744 increasing the likelihood this could be a low frequency benign variant (Genome Aggregation Database Feb 27, 2017). The variant was observed in the following populations: European (non-Finnish) in 183 of 128706 chromosomes (freq: 0.001422), Other in 7 of 7206 chromosomes (freq: 0.000971), European (Finnish) in 8 of 25094 chromosomes (freq: 0.000319), African in 5 of 24886 chromosomes (freq: 0.000201) and Latino in 7 of 35408 chromosomes (freq: 0.000198), but was not observed in the Ashkenazi Jewish, East Asian or South Asian populations. The p.Ser390 residue is not conserved in mammals and computational analyses (PolyPhen-2, SIFT, AlignGVGD, BLOSUM, MutationTaster) provide inconsistent predictions regarding the impact to the protein; this information is not very predictive of pathogenicity. The variant also occurs outside of the splicing consensus sequence and in silico or computational prediction software programs (SpliceSiteFinder, MaxEntScan, NNSPLICE, GeneSplicer) do not predict a difference in splicing. In summary, based on the above information the clinical significance of this variant cannot be determined with certainty at this time although we would lean towards a more benign role for this variant. This variant is classified as likely benign.

Mayo Clinic Laboratories, Mayo Clinic
Classification: Uncertain significance. Review status: no assertion criteria provided. Collection method: clinical testing. Allele origin: unknown. Not counted in ClinVar's aggregate classification.

Literature cited by the submitters: PubMed 27300758 (cited by 3 submitters); PubMed 30374176 (cited by Center for Genomic Medicine, Rigshospitalet, Copenhagen University Hospital and Quest Diagnostics Nichols Institute San Juan Capistrano); PubMed 28944238 (cited by Quest Diagnostics Nichols Institute San Juan Capistrano and Ambry Genetics); PubMed 34679548 (cited by Quest Diagnostics Nichols Institute San Juan Capistrano); PubMed 29641532 (cited by Quest Diagnostics Nichols Institute San Juan Capistrano); PubMed 31911633 (cited by Quest Diagnostics Nichols Institute San Juan Capistrano); PubMed 31874108 (cited by Quest Diagnostics Nichols Institute San Juan Capistrano).